The following is an entry in ClinVar:

ClinVar aggregate classification (germline): Uncertain significance (1 of 4 stars; one submission).

Conditions:
Inborn genetic diseases. Identifiers: MedGen C0950123, MeSH D030342.

Submission:

Ambry Genetics
Classification: Uncertain significance for Inborn genetic diseases. Last evaluated: 2024-09-17. Review status: criteria provided, single submitter. Criteria: Ambry Variant Classification Scheme 2023. Collection method: clinical testing. Allele origin: germline.
Comment: The p.L89P variant (also known as c.266T>C), located in coding exon 3 of the SGCD gene, results from a T to C substitution at nucleotide position 266. The leucine at codon 89 is replaced by proline, an amino acid with similar properties. This amino acid position is conserved. In addition, this alteration is predicted to be deleterious by in silico analysis. Based on the available evidence, the clinical significance of this variant remains unclear.

NM_000337.6(SGCD):c.266T>C (p.Leu89Pro)

Gene: SGCD (sarcoglycan delta; plus strand). Cytogenetic location: 5q33.3.
Variant type: single nucleotide variant.
Coding change: c.266T>C on transcript NM_000337.6 (MANE Select); coding-DNA position 266, T replaced by C.
Protein change: p.Leu89Pro; replaces leucine 89 with proline.
Molecular consequence: missense variant.
Genome position (GRCh38, 1-based): chr5:156,508,674, T>C. VCF-style: chr5-156508674-T-C. GRCh37 (hg19) VCF-style: chr5-155935684-T-C.
Other names: c.263T>C, p.Leu88Pro (NM_001128209.2); c.266T>C, p.Leu89Pro (NM_172244.3); short protein forms L89P, L88P.
Identifiers: ClinVar variation 3440549 (VCV003440549.1).